The following is an entry in ClinVar:

NM_006734.4(HIVEP2):c.6010A>C (p.Ser2004Arg)

Gene: HIVEP2 (HIVEP zinc finger 2; minus strand). Cytogenetic location: 6q24.2.
Variant type: single nucleotide variant.
Coding change: c.6010A>C on transcript NM_006734.4 (MANE Select); coding-DNA position 6010, A replaced by C.
Protein change: p.Ser2004Arg; replaces serine 2004 with arginine.
Molecular consequence: missense variant.
Genome position (GRCh38, 1-based): chr6:142,760,278, T>G on the plus strand (A>C on the coding strand, the complement: HIVEP2 is on the minus strand). VCF-style: chr6-142760278-T-G. GRCh37 (hg19) VCF-style: chr6-143081415-T-G.
Other names: c.6010A>C (NM_006734.3); short protein forms S2004R.
Identifiers: ClinVar variation 2880323 (VCV002880323.4), dbSNP rs764807155, ClinGen allele CA4027754.

ClinVar aggregate classification (germline): Uncertain significance. Review status: criteria provided, multiple submitters, no conflicts (2 of 4 stars). 2 submissions from 2 submitters: Uncertain significance (2). Last evaluated 2025-11-20.

Conditions:
Inborn genetic diseases. Identifiers: MedGen C0950123, MeSH D030342.

Allele frequency attached by ClinVar (database versions not stated): TOPMed 0.00001.
gnomAD v4.1: 23 of 1,614,064 alleles (0.0014%); highest among the groups gnomAD compares: Non-Finnish European, 0.0019%; no homozygotes.

Submissions (2):

Ambry Genetics
Classification: Uncertain significance for Inborn genetic diseases. Last evaluated: 2025-11-20. Review status: criteria provided, single submitter. Criteria: Ambry Variant Classification Scheme 2023. Collection method: clinical testing. Allele origin: germline.

Labcorp Genetics (formerly Invitae), Labcorp
Classification: Uncertain significance. Last evaluated: 2023-07-07. Review status: criteria provided, single submitter. Criteria: Invitae Variant Classification Sherloc (09022015). Collection method: clinical testing. Allele origin: germline.
Comment: In summary, the available evidence is currently insufficient to determine the role of this variant in disease. Therefore, it has been classified as a Variant of Uncertain Significance. Advanced modeling of protein sequence and biophysical properties (such as structural, functional, and spatial information, amino acid conservation, physicochemical variation, residue mobility, and thermodynamic stability) performed at Invitae indicates that this missense variant is not expected to disrupt HIVEP2 protein function. This variant has not been reported in the literature in individuals affected with HIVEP2-related conditions. This variant is present in population databases (rs764807155, gnomAD 0.003%). This sequence change replaces serine, which is neutral and polar, with arginine, which is basic and polar, at codon 2004 of the HIVEP2 protein (p.Ser2004Arg).